The following is an entry in ClinVar:

NM_001267550.2(TTN):c.58680T>A (p.Tyr19560Ter)

Genes: TTN (titin; minus strand), TTN-AS1 (TTN antisense RNA 1; plus strand). Cytogenetic location: 2q31.2.
Variant type: single nucleotide variant.
Coding change: c.58680T>A on transcript NM_001267550.2 (MANE Select); coding-DNA position 58680, T replaced by A.
Protein change: p.Tyr19560Ter; replaces tyrosine 19560 with a stop codon.
Molecular consequence: nonsense.
Genome position (GRCh38, 1-based): chr2:178,593,620, A>T on the plus strand (T>A on the coding strand, the complement: TTN is on the minus strand). VCF-style: chr2-178593620-A-T. GRCh37 (hg19) VCF-style: chr2-179458347-A-T.
Other names: c.53757T>A, p.Tyr17919Ter (NM_001256850.1); c.31485T>A, p.Tyr10495Ter (NM_003319.4); c.50976T>A, p.Tyr16992Ter (NM_133378.4); c.31860T>A, p.Tyr10620Ter (NM_133432.3); c.32061T>A, p.Tyr10687Ter (NM_133437.4); short protein forms Y10495*, Y10620*, Y10687*, Y16992*, Y17919*, Y19560*.
Identifiers: ClinVar variation 4526893 (VCV004526893.1).

ClinVar aggregate classification (germline): Likely pathogenic (1 of 4 stars; one submission).

Conditions:
Dilated cardiomyopathy 1G (CMD1G). Identifiers: Orphanet 154, MedGen C1858763, MONDO:0011400, OMIM 604145.

Submission:

Molecular Genetics Laboratory, Motol Hospital
Classification: Likely pathogenic for Dilated cardiomyopathy 1G. Last evaluated: 2025-11-07. Review status: criteria provided, single submitter. Criteria: ACMG Guidelines, 2015. Collection method: clinical testing. Allele origin: germline. Affected: yes. Observed: 1 variant allele.
Comment: The variant is not present in gnomAD (v4.1.0), dbSNP or ClinVar (PM2). The variant is located in the TTN gene region encoding A-band. Rare truncating variants affecting the TTN gene are associated with autosomal dominant dilated cardiomyopathy (CMD1G; MIM:604145; PMID:39968638;PMID:38438525) (PVS1). To conclude, the variant is classified as pathogenic (ACMG PVS1, PM2).

Literature cited by the submitters: PubMed 39968638; PubMed 38438525.